The following is an entry in ClinVar:

ClinVar aggregate classification (germline): Pathogenic. Review status: criteria provided, multiple submitters, no conflicts (2 of 4 stars). 3 submissions from 3 submitters: Pathogenic (3). Last evaluated 2024-11-30.

Conditions:
Hereditary cancer-predisposing syndrome. Also called: Hereditary neoplastic syndrome; Neoplastic Syndromes, Hereditary; Tumor predisposition; Hereditary Cancer Syndrome. Identifiers: Orphanet 140162, MedGen C0027672, MeSH D009386, MONDO:0015356.
Ataxia-telangiectasia syndrome (AT). Also called: Ataxia telangiectasia (A-T); LOUIS-BAR SYNDROME; Cerebello-oculocutaneous telangiectasia; Immunodeficiency with ataxia telangiectasia; Ataxia-telangiectasia, complementation group D; AT, COMPLEMENTATION GROUP C. Identifiers: Orphanet 100, MedGen C0004135, MONDO:0008840, OMIM 208900.

Submissions (3):

Labcorp Genetics (formerly Invitae), Labcorp
Classification: Pathogenic for Ataxia-telangiectasia syndrome. Last evaluated: 2024-11-30. Review status: criteria provided, single submitter. Criteria: Invitae Variant Classification Sherloc (09022015). Collection method: clinical testing. Allele origin: germline.
Comment: This sequence change creates a premature translational stop signal (p.Glu2446*) in the ATM gene. It is expected to result in an absent or disrupted protein product. Loss-of-function variants in ATM are known to be pathogenic (PMID: 23807571, 25614872). This variant is not present in population databases (gnomAD no frequency). This variant has not been reported in the literature in individuals affected with ATM-related conditions. ClinVar contains an entry for this variant (Variation ID: 1758396). Algorithms developed to predict the effect of sequence changes on RNA splicing suggest that this variant may disrupt the consensus splice site. For these reasons, this variant has been classified as Pathogenic.

Clinical Genetics Laboratory, Skane University Hospital Lund
Classification: Pathogenic. Last evaluated: 2024-02-01. Review status: criteria provided, single submitter. Criteria: ACMG Guidelines, 2015. Collection method: clinical testing. Allele origin: germline. Affected: yes.

Ambry Genetics
Classification: Pathogenic for Hereditary cancer-predisposing syndrome. Last evaluated: 2022-04-01. Review status: criteria provided, single submitter. Criteria: Ambry Variant Classification Scheme 2023. Collection method: clinical testing. Allele origin: germline.
Comment: The p.E2446* pathogenic mutation (also known as c.7336G>T), located in coding exon 49 of the ATM gene, results from a G to T substitution at nucleotide position 7336. This changes the amino acid from a glutamic acid to a stop codon within coding exon 49. This variant is considered to be rare based on population cohorts in the Genome Aggregation Database (gnomAD). This alteration is expected to result in loss of function by premature protein truncation or nonsense-mediated mRNA decay. As such, this alteration is interpreted as a disease-causing mutation.

Literature cited by the submitters: PubMed 23807571 (cited by Labcorp Genetics (formerly Invitae), Labcorp); PubMed 25614872 (cited by Labcorp Genetics (formerly Invitae), Labcorp).

NM_000051.4(ATM):c.7336G>T (p.Glu2446Ter)

Genes: ATM (ATM serine/threonine kinase; plus strand), C11orf65 (chromosome 11 open reading frame 65; minus strand). Cytogenetic location: 11q22.3.
Variant type: single nucleotide variant.
Coding change: c.7336G>T on transcript NM_000051.4 (MANE Select); coding-DNA position 7336, G replaced by T.
Protein change: p.Glu2446Ter; replaces glutamic acid 2446 with a stop codon.
Molecular consequence: nonsense. On other transcripts: intron variant (2).
Genome position (GRCh38, 1-based): chr11:108,330,242, G>T. VCF-style: chr11-108330242-G-T. GRCh37 (hg19) VCF-style: chr11-108200969-G-T.
Other names: c.7336G>T, p.Glu2446Ter (NM_001351834.2); c.641-21171C>A (NM_001330368.2); c.*38+4978C>A (NM_001351110.2); short protein forms E2446*.
Identifiers: ClinVar variation 1758396 (VCV001758396.8), dbSNP rs730881318, ClinGen allele CA382559910.